The following is an entry in ClinVar:

NM_030962.4(SBF2):c.364G>A (p.Val122Met)

Gene: SBF2 (SET binding factor 2; minus strand). Cytogenetic location: 11p15.4.
Variant type: single nucleotide variant.
Coding change: c.364G>A on transcript NM_030962.4 (MANE Select); coding-DNA position 364, G replaced by A.
Protein change: p.Val122Met; replaces valine 122 with methionine.
Molecular consequence: missense variant.
Genome position (GRCh38, 1-based): chr11:10,031,086, C>T on the plus strand (G>A on the coding strand, the complement: SBF2 is on the minus strand). VCF-style: chr11-10031086-C-T. GRCh37 (hg19) VCF-style: chr11-10052633-C-T.
Other names: c.364G>A, p.Val122Met (NM_001386339.1, NM_001386342.1); short protein forms V122M.
Identifiers: ClinVar variation 1733594 (VCV001733594.4), dbSNP rs370001738, ClinGen allele CA5882142.

ClinVar aggregate classification (germline): Uncertain significance. Review status: criteria provided, multiple submitters, no conflicts (2 of 4 stars). 2 submissions from 2 submitters: Uncertain significance (2). Last evaluated 2022-12-01.

Conditions:
Inborn genetic diseases. Identifiers: MedGen C0950123, MeSH D030342.
Charcot-Marie-Tooth disease type 4. Also called: Charcot-Marie-Tooth disease, type IV; Charcot-Marie-Tooth, Type 4. Identifiers: Orphanet 64749, MedGen C4082197, MONDO:0018995.

Allele frequency attached by ClinVar (database versions not stated): ExAC 0.00001; gnomAD exomes 0.00001; gnomAD 0.00002; TOPMed 0.00002; ESP Exome Variant Server 0.00008.
gnomAD v4.1: 10 of 1,613,148 alleles (0.00062%); highest among the groups gnomAD compares: Non-Finnish European, 0.00085%; no homozygotes.

Submissions (2):

Ambry Genetics
Classification: Uncertain significance for Inborn genetic diseases. Last evaluated: 2022-12-01. Review status: criteria provided, single submitter. Criteria: Ambry Variant Classification Scheme 2023. Collection method: clinical testing. Allele origin: germline.

Labcorp Genetics (formerly Invitae), Labcorp
Classification: Uncertain significance for Charcot-Marie-Tooth disease type 4. Last evaluated: 2022-05-06. Review status: criteria provided, single submitter. Criteria: Invitae Variant Classification Sherloc (09022015). Collection method: clinical testing. Allele origin: germline.
Comment: This sequence change replaces valine, which is neutral and non-polar, with methionine, which is neutral and non-polar, at codon 122 of the SBF2 protein (p.Val122Met). This variant is present in population databases (rs370001738, gnomAD 0.0009%). This variant has not been reported in the literature in individuals affected with SBF2-related conditions. Algorithms developed to predict the effect of missense changes on protein structure and function are either unavailable or do not agree on the potential impact of this missense change (SIFT: "Deleterious"; PolyPhen-2: "Probably Damaging"; Align-GVGD: "Class C0"). In summary, the available evidence is currently insufficient to determine the role of this variant in disease. Therefore, it has been classified as a Variant of Uncertain Significance.